The following is an entry in ClinVar:

NM_005591.4(MRE11):c.1500+1G>T

Gene: MRE11 (MRE11 double strand break repair nuclease; minus strand). Cytogenetic location: 11q21.
Variant type: single nucleotide variant.
Coding change: c.1500+1G>T on transcript NM_005591.4 (MANE Select); the canonical splice donor site of the intron after coding-DNA position 1500, G replaced by T.
Molecular consequence: splice donor variant.
Genome position (GRCh38, 1-based): chr11:94,459,407, C>A on the plus strand (G>T on the coding strand, the complement: MRE11 is on the minus strand). VCF-style: chr11-94459407-C-A. GRCh37 (hg19) VCF-style: chr11-94192573-C-A.
Other names: c.1032+1G>T (NM_001440487.1, NM_001440485.1, NM_001440486.1); c.1425+1G>T (NM_001440472.1, NM_001440471.1, NM_001440479.1); c.1500+1G>T (NM_001440469.1, NM_001440476.1, NM_001440465.1 and 15 more transcripts); c.1155+1G>T (NM_001440483.1, NM_001440484.1, NM_001440482.1); c.1419+1G>T (NM_001440478.1, NM_001440473.1, NM_001440477.1).
Identifiers: ClinVar variation 5042058 (VCV005042058.1).

ClinVar aggregate classification (germline): Likely pathogenic (1 of 4 stars; one submission).

Conditions:
Ataxia-telangiectasia-like disorder 1 (ATLD1). Identifiers: Orphanet 251347, MedGen C4012790, MONDO:0024557, OMIM 604391.

Submission:

Molecular Diagnostic Laboratory, Beijing Chigene Translational Medicine Research Center
Classification: Likely pathogenic for Ataxia-telangiectasia-like disorder 1. Last evaluated: 2026-11-02. Review status: criteria provided, single submitter. Criteria: ACMG Guidelines, 2015. Collection method: clinical testing. Allele origin: germline. Affected: yes.
Comment: This sequence change affects the donor splice site in intron 13 of the MRE11 gene (NM_005591.4). Transcriptome analysis confirmed that this variant causes intron 13 (IVS13) retention (PS3). This variant is absent from population databases including gnomAD (PM2_supporting). In summary, the currently available evidence indicates that this variant is Likely Pathogenic.

Literature cited by the submitters: PubMed 32720330.